The following is an entry in ClinVar:

ClinVar aggregate classification (germline): Likely benign (1 of 4 stars; one submission).

Allele frequency attached by ClinVar (database versions not stated): TOPMed below 0.00001.

Submission:

CeGaT Center for Human Genetics Tuebingen
Classification: Likely benign. Last evaluated: 2026-09-01. Review status: criteria provided, single submitter. Criteria: CeGaT Center For Human Genetics Tuebingen Variant Classification Criteria Version 2. Collection method: clinical testing. Allele origin: germline. Affected: yes. Observed: 1 variant allele.
Comment: PDYN: PM2:Supporting, BP4, BP7

NM_024411.5(PDYN):c.393G>A (p.Arg131=)

Genes: PDYN (prodynorphin; minus strand), PDYN-AS1 (PDYN antisense RNA 1; plus strand). Cytogenetic location: 20p13.
Variant type: single nucleotide variant.
Coding change: c.393G>A on transcript NM_024411.5 (MANE Select); coding-DNA position 393, G replaced by A.
Protein change: p.Arg131=; no amino-acid change (arginine 131 retained).
Molecular consequence: synonymous variant.
Genome position (GRCh38, 1-based): chr20:1,980,695, C>T on the plus strand (G>A on the coding strand, the complement: PDYN is on the minus strand). VCF-style: chr20-1980695-C-T. GRCh37 (hg19) VCF-style: chr20-1961341-C-T.
Other names: c.393G>A, p.Arg131= (NM_001190892.1, NM_001190898.3, NM_001190899.2 and 1 more transcripts).
Identifiers: ClinVar variation 2652140 (VCV002652140.24), dbSNP rs1987705572, ClinGen allele CA509547023.